The following is an entry in ClinVar:

ClinVar aggregate classification (germline): Uncertain significance (1 of 4 stars; one submission).

Conditions:
Hereditary cancer-predisposing syndrome. Also called: Neoplastic Syndromes, Hereditary; Tumor predisposition; Hereditary Cancer Syndrome; Hereditary neoplastic syndrome. Identifiers: Orphanet 140162, MedGen C0027672, MeSH D009386, MONDO:0015356.

Allele frequency attached by ClinVar (database versions not stated): gnomAD 0.00001; gnomAD exomes 0.00001.
gnomAD v4.1: 4 of 1,613,654 alleles (0.00025%); highest among the groups gnomAD compares: Admixed American, 0.0033%; no homozygotes.

Submission:

Ambry Genetics
Classification: Uncertain significance for Hereditary cancer-predisposing syndrome. Last evaluated: 2025-05-23. Review status: criteria provided, single submitter. Criteria: Ambry Variant Classification Scheme 2023. Collection method: clinical testing. Allele origin: germline.
Comment: The p.T426I variant (also known as c.1277C>T), located in coding exon 11 of the MRE11A gene, results from a C to T substitution at nucleotide position 1277. The threonine at codon 426 is replaced by isoleucine, an amino acid with similar properties. This amino acid position is conserved. In addition, this alteration is predicted to be tolerated by in silico analysis. Since supporting evidence is limited at this time, the clinical significance of this alteration remains unclear.

NM_005591.4(MRE11):c.1277C>T (p.Thr426Ile)

Gene: MRE11 (MRE11 double strand break repair nuclease; minus strand). Cytogenetic location: 11q21.
Variant type: single nucleotide variant.
Coding change: c.1277C>T on transcript NM_005591.4 (MANE Select); coding-DNA position 1277, C replaced by T.
Protein change: p.Thr426Ile; replaces threonine 426 with isoleucine.
Molecular consequence: missense variant.
Genome position (GRCh38, 1-based): chr11:94,460,985, G>A on the plus strand (C>T on the coding strand, the complement: MRE11 is on the minus strand). VCF-style: chr11-94460985-G-A. GRCh37 (hg19) VCF-style: chr11-94194151-G-A.
Other names: c.1277C>T, p.Thr426Ile (NM_001330347.2, NM_005590.4); short protein forms T426I.
Identifiers: ClinVar variation 1800097 (VCV001800097.3), dbSNP rs1946399679, ClinGen allele CA382372372.
Genomic context (GRCh38, chr11:94,460,985, plus strand): 5'-TAAGAAATTACCTTCTCTGCGGTTTGAAAGTACTGTTTTACAAGATCTTCTACCCTTAAA[G>A]TTGTTCCTTCTGAAGGCTTTGTGATAAGTTTCCCAAAGTTGATCTCTTCTCCTAGAAAAA-3'
Protein context (NP_005582.1, residues 416-436): KLITKPSEGT[Thr426Ile]LRVEDLVKQY